The following is an entry in ClinVar:

NM_006618.5(KDM5B):c.3757C>T (p.Arg1253Ter)

Gene: KDM5B (lysine demethylase 5B; minus strand). Cytogenetic location: 1q32.1.
Variant type: single nucleotide variant.
Coding change: c.3757C>T on transcript NM_006618.5 (MANE Select); coding-DNA position 3757, C replaced by T.
Protein change: p.Arg1253Ter; replaces arginine 1253 with a stop codon.
Molecular consequence: nonsense.
Genome position (GRCh38, 1-based): chr1:202,733,553, G>A on the plus strand (C>T on the coding strand, the complement: KDM5B is on the minus strand). VCF-style: chr1-202733553-G-A. GRCh37 (hg19) VCF-style: chr1-202702681-G-A.
Other names: c.3865C>T, p.Arg1289Ter (NM_001314042.2); c.3622C>T, p.Arg1208Ter (NM_001347591.2); c.3742C>T, p.Arg1248Ter (NM_001399817.1); short protein forms R1208*, R1248*, R1253*, R1289*.
Identifiers: ClinVar variation 3360314 (VCV003360314.5).
Genomic context (GRCh38, chr1:202,733,553, plus strand): 5'-CTGACGAAAGCAGTTGCTGGGCTCTGTGCTGCCAGTTCACGGTTCTTTCAATCATATATC[G>A]AAGTGCATCTCCCTCAGGAAGGCGAACTCGGATACGCTGAAGGGAGGCGAGCAGGGGCAG-3'

ClinVar aggregate classification (germline): Pathogenic/Likely pathogenic. Review status: criteria provided, multiple submitters, no conflicts (2 of 4 stars). 3 submissions from 3 submitters: Pathogenic (1); Likely pathogenic (2). Last evaluated 2025-09-05.

Conditions:
KDM5B-related disorder. Also called: KDM5B-related condition.

gnomAD v4.1: 1 of 1,614,092 alleles (0.000062%); highest among the groups gnomAD compares: Non-Finnish European, 0.000085%; no homozygotes.

Submissions (3):

GeneDx
Classification: Likely pathogenic. Last evaluated: 2025-09-05. Review status: criteria provided, single submitter. Criteria: GeneDx Variant Classification Process June 2021. Collection method: clinical testing. Allele origin: germline.
Comment: Reported as p.Arg1279X in an alternate transcript in an individual with intellectual disability, speech delay, seizures, and dolichocephaly in published literature; however, segregation information was not provided (PMID: 28554332); Nonsense variant predicted to result in protein truncation or nonsense mediated decay in a gene for which loss of function is a known mechanism of disease; Not observed at significant frequency in large population cohorts (gnomAD); This variant is associated with the following publications: (PMID: 35982159, 28554332)

Labcorp Genetics (formerly Invitae), Labcorp
Classification: Pathogenic. Last evaluated: 2024-12-28. Review status: criteria provided, single submitter. Criteria: Invitae Variant Classification Sherloc (09022015). Collection method: clinical testing. Allele origin: germline.
Comment: This sequence change creates a premature translational stop signal (p.Arg1253*) in the KDM5B gene. It is expected to result in an absent or disrupted protein product. Loss-of-function variants in KDM5B are known to be pathogenic (PMID: 29276005, 30409806). This variant is not present in population databases (gnomAD no frequency). This premature translational stop signal has been observed in individual(s) with KDM5B-related conditions (PMID: 28554332). This variant is also known as c.3835C>T (p.Arg1279Ter). Algorithms developed to predict the effect of sequence changes on RNA splicing suggest that this variant may disrupt the consensus splice site. For these reasons, this variant has been classified as Pathogenic.

Blueprint Genetics
Classification: Likely pathogenic for KDM5B-related disorders. Last evaluated: 2022-10-11. Review status: criteria provided, single submitter. Criteria: ACMG Guidelines, 2015. Collection method: clinical testing. Allele origin: germline. Affected: yes. Observed: 1 variant allele.

Literature cited by the submitters: PubMed 29276005 (cited by Labcorp Genetics (formerly Invitae), Labcorp); PubMed 30409806 (cited by Labcorp Genetics (formerly Invitae), Labcorp); PubMed 28554332 (cited by Labcorp Genetics (formerly Invitae), Labcorp).